The following is an entry in ClinVar:

ClinVar aggregate classification (germline): Likely pathogenic (1 of 4 stars; one submission).

Conditions:
Glycine encephalopathy. Also called: Non-ketotic hyperglycinemia; Nonketotic hyperglycinemia. Identifiers: Orphanet 407, MedGen C0751748, MONDO:0011612, HP:0008288.

Submission:

Labcorp Genetics (formerly Invitae), Labcorp
Classification: Likely pathogenic for Glycine encephalopathy. Last evaluated: 2022-04-21. Review status: criteria provided, single submitter. Criteria: Invitae Variant Classification Sherloc (09022015). Collection method: clinical testing. Allele origin: germline.
Comment: In summary, the currently available evidence indicates that the variant is pathogenic, but additional data are needed to prove that conclusively. Therefore, this variant has been classified as Likely Pathogenic. This variant disrupts the p.Arg347 amino acid residue in GLDC. Other variant(s) that disrupt this residue have been determined to be pathogenic (PMID: 26179960, 27362913). This suggests that this residue is clinically significant, and that variants that disrupt this residue are likely to be disease-causing. Advanced modeling of protein sequence and biophysical properties (such as structural, functional, and spatial information, amino acid conservation, physicochemical variation, residue mobility, and thermodynamic stability) performed at Invitae indicates that this missense variant is expected to disrupt GLDC protein function. This variant has not been reported in the literature in individuals affected with GLDC-related conditions. This variant is not present in population databases (gnomAD no frequency). This sequence change replaces arginine, which is basic and polar, with lysine, which is basic and polar, at codon 347 of the GLDC protein (p.Arg347Lys).

Literature cited by the submitters: PubMed 26179960; PubMed 27362913.

NM_000170.3(GLDC):c.1040G>A (p.Arg347Lys)

Gene: GLDC (glycine decarboxylase; minus strand). Cytogenetic location: 9p24.1.
Variant type: single nucleotide variant.
Coding change: c.1040G>A on transcript NM_000170.3 (MANE Select); coding-DNA position 1040, G replaced by A.
Protein change: p.Arg347Lys; replaces arginine 347 with lysine.
Molecular consequence: missense variant.
Genome position (GRCh38, 1-based): chr9:6,604,606, C>T on the plus strand (G>A on the coding strand, the complement: GLDC is on the minus strand). VCF-style: chr9-6604606-C-T. GRCh37 (hg19) VCF-style: chr9-6604606-C-T.
Other names: short protein forms R347K.
Identifiers: ClinVar variation 2128861 (VCV002128861.4), dbSNP rs2489102854, ClinGen allele CA372895326.